The following is an entry in ClinVar:

ClinVar aggregate classification (germline): Likely benign. Review status: criteria provided, single submitter (1 of 4 stars). 2 submissions from 2 submitters: Likely benign (1). 1 of the submissions does not count toward it. Last evaluated 2025-10-22.

Conditions:
WDR4-related disorder. Also called: WDR4-Related Disorders; WDR4-related condition.

Allele frequency attached by ClinVar (database versions not stated): 1000 Genomes Project 30x 0.00016; 1000 Genomes Project 0.00020; TOPMed 0.00022; gnomAD 0.00023; ExAC 0.00025; ESP Exome Variant Server 0.00038.
gnomAD v4.1: 489 of 1,613,274 alleles (0.03%); highest among the groups gnomAD compares: Non-Finnish European, 0.039%; no homozygotes.

Submissions (3):

Labcorp Genetics (formerly Invitae), Labcorp
Classification: Likely benign. Last evaluated: 2025-10-22. Review status: criteria provided, single submitter. Criteria: Invitae Variant Classification Sherloc (09022015). Collection method: clinical testing. Allele origin: germline.

PreventionGenetics, part of Exact Sciences
Classification: Likely benign for WDR4-related condition. Last evaluated: 2022-12-19. Review status: no assertion criteria provided. Collection method: clinical testing. Allele origin: germline. Not counted in ClinVar's aggregate classification.
Comment: This variant is classified as likely benign based on ACMG/AMP sequence variant interpretation guidelines (Richards et al. 2015 PMID: 25741868, with internal and published modifications).

Dr. Peter K. Rogan Lab, Western University
No classification provided (evidence only). Condition: Ovarian serous cystadenocarcinoma. Review status: no classification provided. Collection method: in vitro. Allele origin: not applicable. Functional consequence: retained intron. Not counted in ClinVar's aggregate classification.

NM_018669.6(WDR4):c.789C>T (p.Asp263=)

Gene: WDR4 (WDR4 tRNA N7-guanosine methyltransferase non-catalytic subunit; minus strand). Cytogenetic location: 21q22.3.
Variant type: single nucleotide variant.
Coding change: c.789C>T on transcript NM_018669.6 (MANE Select); coding-DNA position 789, C replaced by T.
Protein change: p.Asp263=; no amino-acid change (aspartic acid 263 retained).
Molecular consequence: synonymous variant. On other transcripts: non-coding transcript variant (1).
Genome position (GRCh38, 1-based): chr21:42,854,564, G>A on the plus strand (C>T on the coding strand, the complement: WDR4 is on the minus strand). VCF-style: chr21-42854564-G-A. GRCh37 (hg19) VCF-style: chr21-44274674-G-A.
Other names: c.786C>T, p.Asp262= (NM_001260474.2); c.351C>T, p.Asp117= (NM_001260475.2, NM_001260476.2, NM_001260477.2 and 1 more transcripts); c.789C>T, p.Asp263= (NM_033661.5); c.789C>T (NM_033661.4).
Identifiers: ClinVar variation 2062624 (VCV002062624.7), dbSNP rs138194752, ClinGen allele CA10045940.